The following is an entry in ClinVar:

NM_000748.3(CHRNB2):c.50T>A (p.Leu17His)

Gene: CHRNB2 (cholinergic receptor nicotinic beta 2 subunit; plus strand). Cytogenetic location: 1q21.3.
Variant type: single nucleotide variant.
Coding change: c.50T>A on transcript NM_000748.3 (MANE Select); coding-DNA position 50, T replaced by A.
Protein change: p.Leu17His; replaces leucine 17 with histidine.
Molecular consequence: missense variant.
Genome position (GRCh38, 1-based): chr1:154,568,094, T>A. VCF-style: chr1-154568094-T-A. GRCh37 (hg19) VCF-style: chr1-154540570-T-A.
Other names: short protein forms L17H.
Identifiers: ClinVar variation 2863154 (VCV002863154.3), dbSNP rs1696094647, ClinGen allele CA342629127.
Genomic context (GRCh38, chr1:154,568,094, plus strand): 5'-ATGCCCGCGGCATGGCCCGGCGCTGCGGCCCCGTGGCGCTGCTCCTTGGCTTCGGCCTCC[T>A]CCGGCTGTGCTCAGGTAAGGGAAAGACGGGCACTGGCCAGGTTCTCCTACCCCAGCCAAC-3'
Protein context (NP_000739.1, residues 7-27): PVALLLGFGL[Leu17His]RLCSGVWGTD

ClinVar aggregate classification (germline): Uncertain significance (1 of 4 stars; one submission).

Conditions:
Familial sleep-related hypermotor epilepsy. Also called: Autosomal Dominant Sleep-Related Hypermotor (Hyperkinetic) Epilepsy. Identifiers: Orphanet 98784, MedGen C3696898, MONDO:0000030.

Allele frequency attached by ClinVar (database versions not stated): TOPMed below 0.00001.

Submission:

Labcorp Genetics (formerly Invitae), Labcorp
Classification: Uncertain significance. Last evaluated: 2023-05-11. Review status: criteria provided, single submitter. Criteria: Invitae Variant Classification Sherloc (09022015). Collection method: clinical testing. Allele origin: germline.
Comment: This variant is not present in population databases (gnomAD no frequency). This variant has not been reported in the literature in individuals affected with CHRNB2-related conditions. Advanced modeling of protein sequence and biophysical properties (such as structural, functional, and spatial information, amino acid conservation, physicochemical variation, residue mobility, and thermodynamic stability) performed at Invitae indicates that this missense variant is not expected to disrupt CHRNB2 protein function. In summary, the available evidence is currently insufficient to determine the role of this variant in disease. Therefore, it has been classified as a Variant of Uncertain Significance. This sequence change replaces leucine, which is neutral and non-polar, with histidine, which is basic and polar, at codon 17 of the CHRNB2 protein (p.Leu17His).